The following is an entry in ClinVar:

ClinVar aggregate classification (germline): Uncertain significance. Review status: criteria provided, multiple submitters, no conflicts (2 of 4 stars). 3 submissions from 3 submitters: Uncertain significance (3). Last evaluated 2025-12-12.

Allele frequency attached by ClinVar (database versions not stated): gnomAD exomes below 0.00001; TOPMed 0.00001.
gnomAD v4.1: 2 of 1,613,704 alleles (0.00012%); highest among the groups gnomAD compares: Non-Finnish European, 0.000085%; no homozygotes.

Submissions (3):

Dasa
Classification: Uncertain significance. Last evaluated: 2025-12-12. Review status: criteria provided, single submitter. Criteria: DASA Assertion Criteria. Collection method: clinical testing. Allele origin: germline.
Comment: NM_001330288.2(SMARCC2):c.601G>A (p.Val201Ile) is a missense variant that results in the substitution of valine with isoleucine. This variant is rare in population databases. Computational prediction algorithms are consistent with a benign effect. The currently available literature and clinical evidence are not sufficient to establish a definitive association between this variant and the reported condition. Therefore, this variant is classified as a variant of uncertain significance.

Blueprint Genetics
Classification: Uncertain significance. Last evaluated: 2022-03-28. Review status: criteria provided, single submitter. Criteria: ACMG Guidelines, 2015. Collection method: clinical testing. Allele origin: germline.

Laboratorio de Genetica e Diagnostico Molecular, Hospital Israelita Albert Einstein
Classification: Uncertain significance. Last evaluated: 2019-12-25. Review status: criteria provided, single submitter. Criteria: ACMG Guidelines, 2015. Collection method: clinical testing. Allele origin: germline. Affected: yes.
Comment: ACMG classification criteria: PM2, BP4

NM_001330288.2(SMARCC2):c.601G>A (p.Val201Ile)

Gene: SMARCC2 (SWI/SNF related BAF chromatin remodeling complex subunit C2; minus strand). Cytogenetic location: 12q13.2.
Variant type: single nucleotide variant.
Coding change: c.601G>A on transcript NM_001330288.2 (MANE Select); coding-DNA position 601, G replaced by A.
Protein change: p.Val201Ile; replaces valine 201 with isoleucine.
Molecular consequence: missense variant.
Genome position (GRCh38, 1-based): chr12:56,183,892, C>T on the plus strand (G>A on the coding strand, the complement: SMARCC2 is on the minus strand). VCF-style: chr12-56183892-C-T. GRCh37 (hg19) VCF-style: chr12-56577676-C-T.
Other names: c.601G>A, p.Val201Ile (NM_001130420.3, NM_003075.5, NM_139067.4); short protein forms V201I.
Identifiers: ClinVar variation 1690759 (VCV001690759.5), dbSNP rs1281867615, ClinGen allele CA385355427.